The following is an entry in ClinVar:

ClinVar aggregate classification (germline): Uncertain significance. Review status: criteria provided, multiple submitters, no conflicts (2 of 4 stars). 2 submissions from 2 submitters: Uncertain significance (2). Last evaluated 2022-12-06.

Conditions:
Deficiency of alpha-mannosidase (MANSA). Also called: Mannosidosis, alpha-, types I and II; LYSOSOMAL ALPHA-D-MANNOSIDASE DEFICIENCY; Alpha-Mannosidosis. Identifiers: Orphanet 61, MedGen C0024748, MONDO:0009561, OMIM 248500.
Inborn genetic diseases. Identifiers: MedGen C0950123, MeSH D030342.

Allele frequency attached by ClinVar (database versions not stated): gnomAD 0.00001; TOPMed 0.00001; 1000 Genomes Project 30x 0.00016; 1000 Genomes Project 0.00020.
gnomAD v4.1: 5 of 1,609,606 alleles (0.00031%); highest among the groups gnomAD compares: Admixed American, 0.005%; no homozygotes.

Submissions (2):

Ambry Genetics
Classification: Uncertain significance for Inborn genetic diseases. Last evaluated: 2022-12-06. Review status: criteria provided, single submitter. Criteria: Ambry Variant Classification Scheme 2023. Collection method: clinical testing. Allele origin: germline.

Labcorp Genetics (formerly Invitae), Labcorp
Classification: Uncertain significance for Deficiency of alpha-mannosidase. Last evaluated: 2022-07-17. Review status: criteria provided, single submitter. Criteria: Invitae Variant Classification Sherloc (09022015). Collection method: clinical testing. Allele origin: germline.
Comment: This sequence change replaces serine, which is neutral and polar, with tyrosine, which is neutral and polar, at codon 600 of the MAN2B1 protein (p.Ser600Tyr). This variant is present in population databases (rs540409826, gnomAD 0.009%). This variant has not been reported in the literature in individuals affected with MAN2B1-related conditions. Algorithms developed to predict the effect of missense changes on protein structure and function (SIFT, PolyPhen-2, Align-GVGD) all suggest that this variant is likely to be tolerated. In summary, the available evidence is currently insufficient to determine the role of this variant in disease. Therefore, it has been classified as a Variant of Uncertain Significance.

NM_000528.4(MAN2B1):c.1799C>A (p.Ser600Tyr)

Gene: MAN2B1 (mannosidase alpha class 2B member 1; minus strand). Cytogenetic location: 19p13.13.
Variant type: single nucleotide variant.
Coding change: c.1799C>A on transcript NM_000528.4 (MANE Select); coding-DNA position 1799, C replaced by A.
Protein change: p.Ser600Tyr; replaces serine 600 with tyrosine.
Molecular consequence: missense variant.
Genome position (GRCh38, 1-based): chr19:12,655,725, G>T on the plus strand (C>A on the coding strand, the complement: MAN2B1 is on the minus strand). VCF-style: chr19-12655725-G-T. GRCh37 (hg19) VCF-style: chr19-12766539-G-T.
Other names: c.1796C>A, p.Ser599Tyr (NM_001173498.2); c.1799C>A (NM_000528.3); short protein forms S600Y, S599Y.
Identifiers: ClinVar variation 2170098 (VCV002170098.2), dbSNP rs540409826, ClinGen allele CA9226321.